The following is an entry in ClinVar:

ClinVar aggregate classification (germline): Likely pathogenic. Review status: reviewed by expert panel (3 of 4 stars). 4 submissions from 4 submitters: Likely pathogenic (1). 3 of the submissions do not count toward it. Last evaluated 2025-01-07.

Conditions:
Autosomal recessive limb-girdle muscular dystrophy. Identifiers: Orphanet 102015, MedGen C2931907, MONDO:0015152.
Autosomal recessive limb-girdle muscular dystrophy type 2D (LGMDR3). Also called: MUSCULAR DYSTROPHY, LIMB-GIRDLE, AUTOSOMAL RECESSIVE 3; ADHALINOPATHY, PRIMARY; DUCHENNE-LIKE AUTOSOMAL RECESSIVE MUSCULAR DYSTROPHY, TYPE 2. Identifiers: Orphanet 62, MedGen C2936332, MONDO:0011968, OMIM 608099. Disease mechanism: Affects gamma-sarcoglycan and also disrupts the integrity of the entire sarcoglycan complex..

gnomAD v4.1: 1 of 1,613,916 alleles (0.000062%); no homozygotes.

Submissions (4):

ClinGen Limb Girdle Muscular Dystrophy Variant Curation Expert Panel, ClinGen
Classification: Likely pathogenic for Autosomal recessive limb-girdle muscular dystrophy. Last evaluated: 2025-01-07. Review status: reviewed by expert panel. Criteria: ClinGen LGMD VCEP ACMG Specifications SGCA V1.0.0. Collection method: curation. Allele origin: germline. Inheritance: Autosomal recessive inheritance.
Comment: The NM_000023.4: c.662G>C variant in SGCA is a missense variant predicted to cause substitution of arginine by proline at amino acid 221 (p.Arg221Pro). This variant has been detected in at least one individual with autosomal recessive limb girdle muscular dystrophy who was compound heterozygous for the variant and a pathogenic variant (c.585-1G>A, 1.0 pt, Washington University internal clinic data communication) (PM3). At least one patient with this variant displayed progressive limb girdle muscle weakness and absent expression of alpha-sarcoglycan protein, which is highly specific for SGCA-related LGMD (PP4_Strong, Washington University internal clinic data communication). This variant is absent from gnomAD v2.1.1 and v3.1.2 (PM2_Supporting). The computational predictor REVEL gives a score of 0.765, which is above the threshold of ≥0.70, evidence that correlates with impact to SGCA function (PP3). In summary, this variant meets the criteria to be classified as Likely Pathogenic for autosomal recessive limb girdle muscular dystrophy based on the ACMG/AMP criteria applied, as specified by the ClinGen LGMD VCEP (LGMD VCEP specifications version 1.0.0; 01/07/2025): PM2_Supporting, PP3, PM3, PP4_Strong.

Revvity Omics, Revvity
Classification: Uncertain significance for Autosomal recessive limb-girdle muscular dystrophy type 2D. Last evaluated: 2019-02-20. Review status: criteria provided, single submitter. Criteria: ACMG Guidelines, 2015. Collection method: clinical testing. Allele origin: germline. Not counted in ClinVar's aggregate classification.

Eurofins Ntd Llc (ga)
Classification: Uncertain significance. Last evaluated: 2016-10-10. Review status: criteria provided, single submitter. Criteria: EGL Classification Definitions 2015. Collection method: clinical testing. Allele origin: germline. Observed: 1 variant allele, 1 heterozygote. Not counted in ClinVar's aggregate classification.

Natera, Inc.
Classification: Uncertain significance for Limb-girdle muscular dystrophy type 2D. Last evaluated: 2025-01-29. Review status: no assertion criteria provided. Collection method: clinical testing. Allele origin: germline. Not counted in ClinVar's aggregate classification.

NM_000023.4(SGCA):c.662G>C (p.Arg221Pro)

Gene: SGCA (sarcoglycan alpha; plus strand). Cytogenetic location: 17q21.33.
Variant type: single nucleotide variant.
Coding change: c.662G>C on transcript NM_000023.4 (MANE Select); coding-DNA position 662, G replaced by C.
Protein change: p.Arg221Pro; replaces arginine 221 with proline.
Molecular consequence: missense variant. On other transcripts: non-coding transcript variant (1), intron variant (1).
Genome position (GRCh38, 1-based): chr17:50,169,169, G>C. VCF-style: chr17-50169169-G-C. GRCh37 (hg19) VCF-style: chr17-48246530-G-C.
Other names: NM_000023.4(SGCA):c.662G>C; p.Arg221Pro; c.584+597G>C (NM_001135697.3); c.662G>C (NM_000023.3, NM_000023.2); short protein forms R221P.
Identifiers: ClinVar variation 497670 (VCV000497670.10), dbSNP rs138254713, ClinGen allele CA400180670.
Genomic context (GRCh38, chr17:50,169,169, plus strand): 5'-GTTCTGCCTCACCTTTTTCTACTTGCCTGAAGATGGTGGCATCCCCCGATAGCCACGCCC[G>C]CTGTGCCCAGGGCCAGCCTCCACTTCTGTCTTGCTACGACACCTTGGCACCCCACTTCCG-3'
Protein context (NP_000014.1, residues 211-231): KMVASPDSHA[Arg221Pro]CAQGQPPLLS